The following is an entry in ClinVar:

ClinVar aggregate classification (germline): Uncertain significance (1 of 4 stars; one submission).

Submission:

GeneDx
Classification: Uncertain significance. Last evaluated: 2022-06-08. Review status: criteria provided, single submitter. Criteria: GeneDx Variant Classification Process June 2021. Collection method: clinical testing. Allele origin: germline. Affected: yes.
Comment: Not observed at significant frequency in large population cohorts (gnomAD); In-frame deletion of 1 amino acids in a non-repeat region; In silico analysis supports a deleterious effect on protein structure/function; Has not been previously published as pathogenic or benign to our knowledge

NM_013275.6(ANKRD11):c.2349_2351del (p.Glu784del)

Gene: ANKRD11 (ankyrin repeat domain containing 11; minus strand). Cytogenetic location: 16q24.3.
Variant type: Deletion.
Coding change: c.2349_2351del on transcript NM_013275.6 (MANE Select); coding-DNA positions 2349 to 2351, 3 bases deleted (AGA; older notation c.2349_2351delAGA).
Protein change: p.Glu784del; deletes glutamic acid 784.
Molecular consequence: inframe deletion.
Genome position (GRCh38, 1-based): chr16:89,284,191-89,284,193, TCT deleted on the plus strand (AGA on the coding strand, the reverse complement: ANKRD11 is on the minus strand); deleting any 3 consecutive bases within chr16:89,284,191-89,284,194 gives the same sequence; the c. name uses the placement nearest the transcript's 3' end. VCF-style (leftmost placement, unchanged base first): chr16-89284190-CTCT-C. GRCh37 (hg19) VCF-style: chr16-89350598-CTCT-C.
Other names: c.2349_2351del, p.Glu784del (NM_001256182.2, NM_001256183.2); short protein forms E784del.
Identifiers: ClinVar variation 1803659 (VCV001803659.1), dbSNP rs2034483528, ClinGen allele CA2241602335.
Genomic context (GRCh38, chr16:89,284,190, plus strand): 5'-TTTTTTGAGTTTTTCTTTATCTTCTTTAAAAATCTTCTCCTTCTCTTTTGAAATTTTGTC[CTCT>C]TTTAAATCATTCTTCTTCTCTAATTTTGAGGGCCGGTCTTTTGATTTCTTCTTTCTCTCC-3'